The following is an entry in ClinVar:

ClinVar aggregate classification (germline): Uncertain significance (1 of 4 stars; one submission).

Conditions:
Ataxia-telangiectasia syndrome (AT). Also called: ATAXIA-TELANGIECTASIA, COMPLEMENTATION GROUP A; ATAXIA-TELANGIECTASIA, FRESNO VARIANT; Ataxia-telangiectasia; Ataxia-telangiectasia, complementation group D; Ataxia-telangiectasia, complementation group E; AT, COMPLEMENTATION GROUP C. Identifiers: Orphanet 100, MedGen C0004135, MONDO:0008840, OMIM 208900.

Submission:

Labcorp Genetics (formerly Invitae), Labcorp
Classification: Uncertain significance for Ataxia-telangiectasia syndrome. Last evaluated: 2025-01-29. Review status: criteria provided, single submitter. Criteria: Invitae Variant Classification Sherloc (09022015). Collection method: clinical testing. Allele origin: germline.
Comment: This variant, c.3806_3811del, results in the deletion of 2 amino acid(s) of the ATM protein (p.Lys1269_Ser1270del), but otherwise preserves the integrity of the reading frame. This variant is not present in population databases (gnomAD no frequency). This variant has not been reported in the literature in individuals affected with ATM-related conditions. Experimental studies and prediction algorithms are not available or were not evaluated, and the functional significance of this variant is currently unknown. In summary, the available evidence is currently insufficient to determine the role of this variant in disease. Therefore, it has been classified as a Variant of Uncertain Significance.

NM_000051.4(ATM):c.3806_3811del (p.Lys1269_Ser1270del)

Gene: ATM (ATM serine/threonine kinase; plus strand). Cytogenetic location: 11q22.3.
Variant type: Deletion.
Coding change: c.3806_3811del on transcript NM_000051.4 (MANE Select); coding-DNA positions 3806 to 3811, 6 bases deleted (AGTCCA; older notation c.3806_3811delAGTCCA).
Protein change: p.Lys1269_Ser1270del.
Genome position (GRCh38, 1-based): chr11:108,284,286-108,284,291, AGTCCA deleted; deleting any 6 consecutive bases within chr11:108,284,285-108,284,291 gives the same sequence; the c. name uses the placement nearest the transcript's 3' end. VCF-style (leftmost placement, unchanged base first): chr11-108284284-GAAGTCC-G. GRCh37 (hg19) VCF-style: chr11-108155011-GAAGTCC-G.
Other names: c.3806_3811del, p.Lys1269_Ser1270del (NM_001351834.2).
Identifiers: ClinVar variation 3729085 (VCV003729085.2).
Genomic context (GRCh38, chr11:108,284,284, plus strand): 5'-TAGATCTTGTTATAAGGTTTTGATTCCACATCTGGTGATTAGAAGTCATTTTGATGAGGT[GAAGTCC>G]ATTGCTAATCAGATTCAAGAGGACTGGAAAAGTCTTCTAACAGACTGCTTTCCAAAGATT-3'